The following is an entry in ClinVar:

ClinVar aggregate classification (germline): Uncertain significance (1 of 4 stars; one submission).

gnomAD v4.1: 18 of 1,614,164 alleles (0.0011%); highest among the groups gnomAD compares: Admixed American, 0.0017%; no homozygotes.

Submission:

Labcorp Genetics (formerly Invitae), Labcorp
Classification: Uncertain significance. Last evaluated: 2025-10-15. Review status: criteria provided, single submitter. Criteria: Invitae Variant Classification Sherloc (09022015). Collection method: clinical testing. Allele origin: germline.
Comment: This sequence change replaces threonine, which is neutral and polar, with serine, which is neutral and polar, at codon 48 of the ALPL protein (p.Thr48Ser). This variant is present in population databases (no rsID available, gnomAD 0.003%). This missense change has been observed in individual(s) with hypophosphatasia (internal data). Invitae Evidence Modeling of protein sequence and biophysical properties (such as structural, functional, and spatial information, amino acid conservation, physicochemical variation, residue mobility, and thermodynamic stability) indicates that this missense variant is expected to disrupt ALPL protein function with a positive predictive value of 95%. In summary, the available evidence is currently insufficient to determine the role of this variant in disease. Therefore, it has been classified as a Variant of Uncertain Significance.

NM_000478.6(ALPL):c.143C>G (p.Thr48Ser)

Gene: ALPL (alkaline phosphatase, biomineralization associated; plus strand). Cytogenetic location: 1p36.12.
Variant type: single nucleotide variant.
Coding change: c.143C>G on transcript NM_000478.6 (MANE Select); coding-DNA position 143, C replaced by G.
Protein change: p.Thr48Ser; replaces threonine 48 with serine.
Molecular consequence: missense variant. On other transcripts: 5 prime UTR variant (1).
Genome position (GRCh38, 1-based): chr1:21,560,707, C>G. VCF-style: chr1-21560707-C-G. GRCh37 (hg19) VCF-style: chr1-21887200-C-G.
Other names: c.-23C>G (NM_001127501.4); c.28C>G, p.Pro10Ala (NM_001177520.3); c.143C>G, p.Thr48Ser (NM_001369803.2, NM_001369804.2, NM_001369805.2); short protein forms T48S, P10A.
Identifiers: ClinVar variation 4737048 (VCV004737048.1).
Genomic context (GRCh38, chr1:21,560,707, plus strand): 5'-ACTGGCGAGACCAAGCGCAAGAGACACTGAAATATGCCCTGGAGCTTCAGAAGCTCAACA[C>G]CAACGTGGCTAAGAATGTCATCATGTTCCTGGGAGATGGTGAGGCCCAGGGGCCTGTGGG-3'
Protein context (NP_000469.3, residues 38-58): KYALELQKLN[Thr48Ser]NVAKNVIMFL